The following is an entry in ClinVar:

ClinVar aggregate classification (germline): Pathogenic. Review status: criteria provided, multiple submitters, no conflicts (2 of 4 stars). 2 submissions from 2 submitters: Pathogenic (2). Last evaluated 2025-12-02.

Conditions:
Neurofibromatosis, type 1 (NF1). Also called: VON RECKLINGHAUSEN DISEASE; NEUROFIBROMATOSIS, TYPE I, SOMATIC; Neurofibromatosis, type I; Peripheral type neurofibromatosis. Identifiers: Orphanet 636, MedGen C0027831, MONDO:0018975, OMIM 162200. Disease mechanism: loss of function.
Cardiovascular phenotype. Identifiers: MedGen CN230736.
Hereditary cancer-predisposing syndrome. Also called: Neoplastic Syndromes, Hereditary; Tumor predisposition; Hereditary Cancer Syndrome; Hereditary neoplastic syndrome. Identifiers: Orphanet 140162, MedGen C0027672, MeSH D009386, MONDO:0015356.

Submissions (2):

Ambry Genetics
Classification: Pathogenic for Cardiovascular phenotype; Hereditary cancer-predisposing syndrome. Last evaluated: 2025-12-02. Review status: criteria provided, single submitter. Criteria: Ambry Variant Classification Scheme 2023. Collection method: clinical testing. Allele origin: germline.
Comment: The c.479+2T>G intronic pathogenic mutation results from a T to G substitution two nucleotides after coding exon 4 in the NF1 gene. This variant has been identified in individuals meeting clinical diagnostic criteria for neurofibromatosis type 1 (NF1) (Brinckmann A et al. Electrophoresis, 2007 Dec;28:4295-301; Ambry internal data). RNA studies have demonstrated that this alteration results in skipping of exon 4 in the set of samples tested (Ambry internal data). Other alterations impacting the same donor site (c.479+1G>C and c.479G>C) have been shown to have a similar impact on splicing in individuals with a suspected or clinical diagnosis of NF1 (Wimmer K et al. Hum. Mutat. 2007 Jun;28:599-612; Pros E et al. Hum. Mutat. 2008 Sep; 29(9):E173-93; Sabbagh A et al. Hum. Mutat. 2013 Nov; 34(11):1510-8). Based on the supporting evidence, this alteration is interpreted as a disease-causing mutation.

Labcorp Genetics (formerly Invitae), Labcorp
Classification: Pathogenic for Neurofibromatosis, type 1. Last evaluated: 2024-07-23. Review status: criteria provided, single submitter. Criteria: Invitae Variant Classification Sherloc (09022015). Collection method: clinical testing. Allele origin: germline.
Comment: This sequence change affects a donor splice site in intron 4 of the NF1 gene. It is expected to disrupt RNA splicing. Variants that disrupt the donor or acceptor splice site typically lead to a loss of protein function (PMID: 16199547), and loss-of-function variants in NF1 are known to be pathogenic (PMID: 10712197, 23913538). This variant is not present in population databases (gnomAD no frequency). Disruption of this splice site has been observed in individual(s) with neurofibromatosis type I (PMID: 18041031). ClinVar contains an entry for this variant (Variation ID: 1743104). Algorithms developed to predict the effect of sequence changes on RNA splicing suggest that this variant may disrupt the consensus splice site. For these reasons, this variant has been classified as Pathogenic.

Literature cited by the submitters: PubMed 18041031 (cited by Ambry Genetics and Labcorp Genetics (formerly Invitae), Labcorp); PubMed 16199547 (cited by Labcorp Genetics (formerly Invitae), Labcorp); PubMed 10712197 (cited by Labcorp Genetics (formerly Invitae), Labcorp); PubMed 23913538 (cited by Labcorp Genetics (formerly Invitae), Labcorp).

NM_001042492.3(NF1):c.479+2T>G

Gene: NF1 (neurofibromin 1; plus strand). Cytogenetic location: 17q11.2.
Variant type: single nucleotide variant.
Coding change: c.479+2T>G on transcript NM_001042492.3 (MANE Select); the canonical splice donor site of the intron after coding-DNA position 479, T replaced by G.
Molecular consequence: splice donor variant.
Genome position (GRCh38, 1-based): chr17:31,163,378, T>G. VCF-style: chr17-31163378-T-G. GRCh37 (hg19) VCF-style: chr17-29490396-T-G.
Other names: c.479+2T>G (NM_000267.4, NM_001128147.3).
Identifiers: ClinVar variation 1743104 (VCV001743104.5), dbSNP rs2143674150, ClinGen allele CA398982230.